The following is an entry in ClinVar:

NM_139248.3(LIPH):c.639C>A (p.Tyr213Ter)

Gene: LIPH (lipase H; minus strand). Cytogenetic location: 3q27.2.
Variant type: single nucleotide variant.
Coding change: c.639C>A on transcript NM_139248.3 (MANE Select); coding-DNA position 639, C replaced by A.
Protein change: p.Tyr213Ter; replaces tyrosine 213 with a stop codon.
Molecular consequence: nonsense. On other transcripts: intron variant (1).
Genome position (GRCh38, 1-based): chr3:185,524,150, G>T on the plus strand (C>A on the coding strand, the complement: LIPH is on the minus strand). VCF-style: chr3-185524150-G-T. GRCh37 (hg19) VCF-style: chr3-185241938-G-T.
Other names: c.537C>A, p.Tyr179Ter (NM_001438029.1); c.510C>A, p.Tyr170Ter (NM_001438652.1); c.628+3334C>A (NM_001438651.1); short protein forms Y170*, Y213*, Y179*.
Identifiers: ClinVar variation 4998971 (VCV004998971.1).
Genomic context (GRCh38, chr3:185,524,150, plus strand): 5'-GCAGCCAGGTTGATCCAATCCTCCATTTGGGTAGAAGTCTATGTTTCCTAATGGCTCCTT[G>T]TAGCCCAGTGCTAAAAGAGAACACATTCTGCTTTTATACTCCTTTGAATTTTTCCTATCT-3'

ClinVar aggregate classification (germline): Likely pathogenic (1 of 4 stars; one submission).

Conditions:
LIPH-related disorder. Also called: LIPH-related condition.

gnomAD v4.1: 1 of 1,607,128 alleles (0.000062%); highest among the groups gnomAD compares: Non-Finnish European, 0.000085%; no homozygotes.

Submission:

PreventionGenetics, part of Exact Sciences
Classification: Likely pathogenic for LIPH-related condition. Last evaluated: 2024-11-03. Review status: criteria provided, single submitter. Criteria: ACMG Guidelines, 2015. Collection method: clinical testing. Allele origin: germline.
Comment: The LIPH c.639C>A variant is predicted to result in premature protein termination (p.Tyr213*). To our knowledge, this variant has not been reported in the literature or in a large population database (gnomAD), indicating this variant is rare. Nonsense variants in LIPH are expected to be pathogenic. This variant is interpreted as likely pathogenic.